The following is an entry in ClinVar:

NM_000465.4(BARD1):c.2218G>T (p.Glu740Ter)

Gene: BARD1 (BRCA1 associated RING domain 1; minus strand). Cytogenetic location: 2q35.
Variant type: single nucleotide variant.
Coding change: c.2218G>T on transcript NM_000465.4 (MANE Select); coding-DNA position 2218, G replaced by T.
Protein change: p.Glu740Ter; replaces glutamic acid 740 with a stop codon.
Molecular consequence: nonsense. On other transcripts: non-coding transcript variant (3).
Genome position (GRCh38, 1-based): chr2:214,728,792, C>A on the plus strand (G>T on the coding strand, the complement: BARD1 is on the minus strand). VCF-style: chr2-214728792-C-A. GRCh37 (hg19) VCF-style: chr2-215593516-C-A.
Other names: c.2161G>T, p.Glu721Ter (NM_001282543.2); c.865G>T, p.Glu289Ter (NM_001282545.2); c.808G>T, p.Glu270Ter (NM_001282548.2); c.679G>T, p.Glu227Ter (NM_001282549.2); short protein forms E227*, E270*, E289*, E721*, E740*.
Identifiers: ClinVar variation 847544 (VCV000847544.10), dbSNP rs1692204026, ClinGen allele CA350450150.

ClinVar aggregate classification (germline): Likely pathogenic (1 of 4 stars; one submission).

Conditions:
Familial cancer of breast. Also called: hereditary breast carcinoma; Hereditary breast cancer; BREAST CANCER, FAMILIAL. Identifiers: Orphanet 227535, MedGen C0346153, MONDO:0016419, OMIM 114480. Disease mechanism: loss of function.

Submission:

Labcorp Genetics (formerly Invitae), Labcorp
Classification: Likely pathogenic for Familial cancer of breast. Last evaluated: 2019-12-19. Review status: criteria provided, single submitter. Criteria: Invitae Variant Classification Sherloc (09022015). Collection method: clinical testing. Allele origin: germline.
Comment: In summary, the currently available evidence indicates that the variant is pathogenic, but additional data are needed to prove that conclusively. Therefore, this variant has been classified as Likely Pathogenic. This variant disrupts part of the C-terminal BRCT domain of BARD1 protein, which is required for chromosome stability and homology-directed repair (PMID: 17848578). A different variant (p.Val767fs) that lies downstream of this variant has been reported to affect BARD1 protein function (PMID: 30925164), this suggests that disruption of this region of the protein is causative of disease. This variant has not been reported in the literature in individuals with BARD1-related conditions. This variant is not present in population databases (ExAC no frequency). This sequence change results in a premature translational stop signal in the BARD1 gene (p.Glu740*). While this is not anticipated to result in nonsense mediated decay, it is expected to disrupt the last 38 amino acids of the BARD1 protein.

Literature cited by the submitters: PubMed 17848578; PubMed 30925164.